The following is an entry in ClinVar:

NM_000179.3(MSH6):c.2356dup (p.Tyr786fs)

Gene: MSH6 (mutS homolog 6; plus strand). Cytogenetic location: 2p16.3.
Variant type: Duplication.
Coding change: c.2356dup on transcript NM_000179.3 (MANE Select); coding-DNA position 2356, one base duplicated (T; older notation c.2356dupT).
Protein change: p.Tyr786fs; shifts the reading frame from tyrosine 786.
Molecular consequence: frameshift variant. On other transcripts: intron variant (3), non-coding transcript variant (5).
Genome position (GRCh38, 1-based): chr2:47,800,339, T duplicated; the last of 2 consecutive T bases (chr2:47,800,338-47,800,339); duplicating either gives the same sequence. VCF-style (leftmost placement, unchanged base first): chr2-47800337-A-AT. GRCh37 (hg19) VCF-style: chr2-48027476-A-AT.
Other names: c.1606+750dup (NM_001406817.1); c.628-327dup (NM_001407362.1); c.2059dup, p.Tyr687fs (NM_001406805.1, NM_001406801.1, NM_001406797.1 and 10 more transcripts); c.1831dup, p.Tyr611fs (NM_001406806.1, NM_001406807.1, NM_001406799.1); c.2356dup, p.Tyr786fs (NM_001406808.1, NM_001406809.1, NM_001406798.1 and 2 more transcripts); c.1450dup, p.Tyr484fs (NM_001406811.1, NM_001406812.1, NM_001406814.1 and 6 more transcripts); c.2362dup, p.Tyr788fs (NM_001406813.1); c.2452dup, p.Tyr818fs (NM_001406802.1, NM_001406795.1); and 5 more; short protein forms Y611fs, Y656fs, Y786fs, Y818fs, Y687fs, Y730fs, Y788fs, Y760fs.
Identifiers: ClinVar variation 4111229 (VCV004111229.1).

ClinVar aggregate classification (germline): Pathogenic (1 of 4 stars; one submission).

Conditions:
Hereditary cancer-predisposing syndrome. Also called: Tumor predisposition; Neoplastic Syndromes, Hereditary; Hereditary neoplastic syndrome; Hereditary Cancer Syndrome. Identifiers: Orphanet 140162, MedGen C0027672, MeSH D009386, MONDO:0015356.

Submission:

Ambry Genetics
Classification: Pathogenic for Hereditary cancer-predisposing syndrome. Last evaluated: 2025-09-05. Review status: criteria provided, single submitter. Criteria: Ambry Variant Classification Scheme 2023. Collection method: clinical testing. Allele origin: germline.
Comment: The c.2356dupT pathogenic mutation, located in coding exon 4 of the MSH6 gene, results from a duplication of T at nucleotide position 2356, causing a translational frameshift with a predicted alternate stop codon (p.Y786Lfs*4). This variant is considered to be rare based on population cohorts in the Genome Aggregation Database (gnomAD). This alteration is expected to result in loss of function by premature protein truncation or nonsense-mediated mRNA decay. As such, this alteration is interpreted as a disease-causing mutation.